The following is an entry in ClinVar:

NM_001006658.3(CR2):c.630T>A (p.Cys210Ter)

Gene: CR2 (complement C3d receptor 2; plus strand). Cytogenetic location: 1q32.2.
Variant type: single nucleotide variant.
Coding change: c.630T>A on transcript NM_001006658.3 (MANE Select); coding-DNA position 630, T replaced by A.
Protein change: p.Cys210Ter; replaces cysteine 210 with a stop codon.
Molecular consequence: nonsense.
Genome position (GRCh38, 1-based): chr1:207,468,711, T>A. VCF-style: chr1-207468711-T-A. GRCh37 (hg19) VCF-style: chr1-207642056-T-A.
Other names: c.630T>A, p.Cys210Ter (NM_001877.5); short protein forms C210*.
Identifiers: ClinVar variation 3643091 (VCV003643091.2).

ClinVar aggregate classification (germline): Pathogenic (1 of 4 stars; one submission).

Conditions:
Immunodeficiency, common variable, 7. Identifiers: Orphanet 1572, Orphanet 696894, MedGen C3542922, MONDO:0013862, OMIM 614699.

Submission:

Labcorp Genetics (formerly Invitae), Labcorp
Classification: Pathogenic for Immunodeficiency, common variable, 7. Last evaluated: 2024-03-13. Review status: criteria provided, single submitter. Criteria: Invitae Variant Classification Sherloc (09022015). Collection method: clinical testing. Allele origin: germline.
Comment: This sequence change creates a premature translational stop signal (p.Cys210*) in the CR2 gene. It is expected to result in an absent or disrupted protein product. Loss-of-function variants in CR2 are known to be pathogenic (PMID: 26325596, 28499783). This variant is not present in population databases (gnomAD no frequency). This variant has not been reported in the literature in individuals affected with CR2-related conditions. For these reasons, this variant has been classified as Pathogenic.

Literature cited by the submitters: PubMed 26325596; PubMed 28499783.